The following is an entry in ClinVar:

NM_000059.4(BRCA2):c.3838G>A (p.Asp1280Asn)

Gene: BRCA2 (BRCA2 DNA repair associated; plus strand). Cytogenetic location: 13q13.1.
Variant type: single nucleotide variant.
Coding change: c.3838G>A on transcript NM_000059.4 (MANE Select); coding-DNA position 3838, G replaced by A.
Protein change: p.Asp1280Asn; replaces aspartic acid 1280 with asparagine.
Molecular consequence: missense variant. On other transcripts: non-coding transcript variant (1), intron variant (2).
Genome position (GRCh38, 1-based): chr13:32,338,193, G>A. VCF-style: chr13-32338193-G-A. GRCh37 (hg19) VCF-style: chr13-32912330-G-A.
Other names: c.3838G>A, p.Asp1280Asn (NM_001406719.1, NM_001406720.1, NM_001432077.1); c.1909+4806G>A (NM_001406721.1); c.425-6365G>A (NM_001406722.1); short protein forms D1280N.
Identifiers: ClinVar variation 4802298 (VCV004802298.1).

ClinVar aggregate classification (germline): Uncertain significance (1 of 4 stars; one submission).

Conditions:
Hereditary breast ovarian cancer syndrome. Also called: Hereditary breast and ovarian cancer syndrome (HBOC); Hereditary breast and ovarian cancer; Breast and ovarian cancer; Hereditary breast and/or ovarian cancer syndrome; BRCA1- and BRCA2-Associated Hereditary Breast and Ovarian Cancer; Hereditary breast and ovarian cancer syndrome. Identifiers: Orphanet 145, MedGen C0677776, MeSH D061325, MONDO:0003582. Disease mechanism: loss of function.

Submission:

Labcorp Genetics (formerly Invitae), Labcorp
Classification: Uncertain significance for Hereditary breast ovarian cancer syndrome. Last evaluated: 2025-09-21. Review status: criteria provided, single submitter. Criteria: Invitae Variant Classification Sherloc (09022015). Collection method: clinical testing. Allele origin: germline.
Comment: This sequence change replaces aspartic acid, which is acidic and polar, with asparagine, which is neutral and polar, at codon 1280 of the BRCA2 protein (p.Asp1280Asn). This variant is not present in population databases (gnomAD no frequency). This variant has not been reported in the literature in individuals affected with BRCA2-related conditions. Invitae Evidence Modeling of protein sequence and biophysical properties (such as structural, functional, and spatial information, amino acid conservation, physicochemical variation, residue mobility, and thermodynamic stability) indicates that this missense variant is not expected to disrupt BRCA2 protein function with a negative predictive value of 95%. In summary, the available evidence is currently insufficient to determine the role of this variant in disease. Therefore, it has been classified as a Variant of Uncertain Significance.